The following is an entry in ClinVar:

NM_183357.3(ADCY5):c.1747G>A (p.Asp583Asn)

Gene: ADCY5 (adenylate cyclase 5; minus strand). Cytogenetic location: 3q21.1.
Variant type: single nucleotide variant.
Coding change: c.1747G>A on transcript NM_183357.3 (MANE Select); coding-DNA position 1747, G replaced by A.
Protein change: p.Asp583Asn; replaces aspartic acid 583 with asparagine.
Molecular consequence: missense variant.
Genome position (GRCh38, 1-based): chr3:123,328,702, C>T on the plus strand (G>A on the coding strand, the complement: ADCY5 is on the minus strand). VCF-style: chr3-123328702-C-T. GRCh37 (hg19) VCF-style: chr3-123047549-C-T.
Other names: c.697G>A, p.Asp233Asn (NM_001199642.1); c.1747G>A, p.Asp583Asn (NM_001378259.1); short protein forms D583N, D233N.
Identifiers: ClinVar variation 3678848 (VCV003678848.2).

ClinVar aggregate classification (germline): Uncertain significance (1 of 4 stars; one submission).

gnomAD v4.1: 5 of 1,614,212 alleles (0.00031%); highest among the groups gnomAD compares: Non-Finnish European, 0.00042%; no homozygotes.

Submission:

Labcorp Genetics (formerly Invitae), Labcorp
Classification: Uncertain significance. Last evaluated: 2024-12-22. Review status: criteria provided, single submitter. Criteria: Invitae Variant Classification Sherloc (09022015). Collection method: clinical testing. Allele origin: germline.
Comment: This sequence change replaces aspartic acid, which is acidic and polar, with asparagine, which is neutral and polar, at codon 583 of the ADCY5 protein (p.Asp583Asn). This variant is not present in population databases (gnomAD no frequency). This variant has not been reported in the literature in individuals affected with ADCY5-related conditions. Invitae Evidence Modeling of protein sequence and biophysical properties (such as structural, functional, and spatial information, amino acid conservation, physicochemical variation, residue mobility, and thermodynamic stability) indicates that this missense variant is expected to disrupt ADCY5 protein function with a positive predictive value of 80%. In summary, the available evidence is currently insufficient to determine the role of this variant in disease. Therefore, it has been classified as a Variant of Uncertain Significance.